The following is an entry in ClinVar:

NM_052854.4(CREB3L1):c.1076A>T (p.Asn359Ile)

Gene: CREB3L1 (cAMP responsive element binding protein 3 like 1; plus strand). Cytogenetic location: 11p11.2.
Variant type: single nucleotide variant.
Coding change: c.1076A>T on transcript NM_052854.4 (MANE Select); coding-DNA position 1076, A replaced by T.
Protein change: p.Asn359Ile; replaces asparagine 359 with isoleucine.
Molecular consequence: missense variant.
Genome position (GRCh38, 1-based): chr11:46,316,330, A>T. VCF-style: chr11-46316330-A-T. GRCh37 (hg19) VCF-style: chr11-46337881-A-T.
Other names: short protein forms N359I.
Identifiers: ClinVar variation 1906853 (VCV001906853.5), dbSNP rs746441038, ClinGen allele CA380224233.

ClinVar aggregate classification (germline): Uncertain significance (1 of 4 stars; one submission).

Allele frequency attached by ClinVar (database versions not stated): TOPMed below 0.00001.
gnomAD v4.1: 2 of 1,575,960 alleles (0.00013%); highest among the groups gnomAD compares: Admixed American, 0.0018%; no homozygotes.

Submission:

Labcorp Genetics (formerly Invitae), Labcorp
Classification: Uncertain significance. Last evaluated: 2025-04-07. Review status: criteria provided, single submitter. Criteria: Invitae Variant Classification Sherloc (09022015). Collection method: clinical testing. Allele origin: germline.
Comment: This sequence change replaces asparagine, which is neutral and polar, with isoleucine, which is neutral and non-polar, at codon 359 of the CREB3L1 protein (p.Asn359Ile). This variant is present in population databases (no rsID available, gnomAD no frequency). This variant has not been reported in the literature in individuals affected with CREB3L1-related conditions. ClinVar contains an entry for this variant (Variation ID: 1906853). An algorithm developed to predict the effect of missense changes on protein structure and function (PolyPhen-2) suggests that this variant is likely to be tolerated. In summary, the available evidence is currently insufficient to determine the role of this variant in disease. Therefore, it has been classified as a Variant of Uncertain Significance.